The following is an entry in ClinVar:

NM_001042492.3(NF1):c.3140A>T (p.Asp1047Val)

Gene: NF1 (neurofibromin 1; plus strand). Cytogenetic location: 17q11.2.
Variant type: single nucleotide variant.
Coding change: c.3140A>T on transcript NM_001042492.3 (MANE Select); coding-DNA position 3140, A replaced by T.
Protein change: p.Asp1047Val; replaces aspartic acid 1047 with valine.
Molecular consequence: missense variant.
Genome position (GRCh38, 1-based): chr17:31,230,868, A>T. VCF-style: chr17-31230868-A-T. GRCh37 (hg19) VCF-style: chr17-29557886-A-T.
Other names: c.3140A>T, p.Asp1047Val (NM_000267.4); short protein forms D1047V.
Identifiers: ClinVar variation 962738 (VCV000962738.5), dbSNP rs1555614631, ClinGen allele CA398987975.

ClinVar aggregate classification (germline): Uncertain significance (1 of 4 stars; one submission).

Conditions:
Neurofibromatosis, type 1 (NF1). Also called: Peripheral type neurofibromatosis; VON RECKLINGHAUSEN DISEASE; NEUROFIBROMATOSIS, TYPE I, SOMATIC; Neurofibromatosis, type I. Identifiers: Orphanet 636, MedGen C0027831, MONDO:0018975, OMIM 162200. Disease mechanism: loss of function.

Submission:

Labcorp Genetics (formerly Invitae), Labcorp
Classification: Uncertain significance for Neurofibromatosis, type 1. Last evaluated: 2021-08-19. Review status: criteria provided, single submitter. Criteria: Invitae Variant Classification Sherloc (09022015). Collection method: clinical testing. Allele origin: germline.
Comment: In summary, the available evidence is currently insufficient to determine the role of this variant in disease. Therefore, it has been classified as a Variant of Uncertain Significance. Algorithms developed to predict the effect of missense changes on protein structure and function are either unavailable or do not agree on the potential impact of this missense change (SIFT: "Deleterious"; PolyPhen-2: "Possibly Damaging"; Align-GVGD: "Class C0"). This variant has been observed in an individual with clinical features of neurofibromatosis type 1 (PMID: 19076627). However, in that individual, pathogenic allele[s] were also identified in NF1, which suggests that this c.3140A>T variant was not the primary cause of disease. This variant is also known as c.3351A>T (D1047V) in the literature. This variant is not present in population databases (ExAC no frequency). This sequence change replaces aspartic acid with valine at codon 1047 of the NF1 protein (p.Asp1047Val). The aspartic acid residue is moderately conserved and there is a large physicochemical difference between aspartic acid and valine.

Literature cited by the submitters: PubMed 19076627.